The following is an entry in ClinVar:

ClinVar aggregate classification (germline): Uncertain significance (1 of 4 stars; one submission).

Conditions:
Epidermolysis bullosa simplex 5B, with muscular dystrophy (EBS5B). Also called: Epidermolysis bullosa simplex with muscular dystrophy; EPIDERMOLYSIS BULLOSA SIMPLEX AND LIMB-GIRDLE MUSCULAR DYSTROPHY. Identifiers: Orphanet 257, MedGen C2931072, MONDO:0009181, OMIM 226670.
Epidermolysis bullosa simplex, Ogna type (EBS5A). Also called: Pidermolysis bullosa simplex 5A, Ogna type; EPIDERMOLYSIS BULLOSA SIMPLEX 5A, OGNA TYPE. Identifiers: Orphanet 79401, MedGen C0432317, MONDO:0007555, OMIM 131950.
Epidermolysis bullosa simplex 5C, with pyloric atresia (EBS5C). Also called: PLEC1-Related Epidermolysis Bullosa with Pyloric Atresia; PLEC-Related Epidermolysis Bullosa with Pyloric Atresia; Epidermolysis bullosa simplex with pyloric atresia. Identifiers: Orphanet 158684, MedGen C2677349, MONDO:0012807, OMIM 612138.
Epidermolysis bullosa simplex with nail dystrophy (EBS5D). Identifiers: MedGen C4225309, MONDO:0014661, OMIM 616487.
Autosomal recessive limb-girdle muscular dystrophy type 2Q (LGMDR17). Also called: MUSCULAR DYSTROPHY, LIMB-GIRDLE, AUTOSOMAL RECESSIVE 17. Identifiers: Orphanet 254361, MedGen C3150989, MONDO:0013390, OMIM 613723.

Submission:

Labcorp Genetics (formerly Invitae), Labcorp
Classification: Uncertain significance for Autosomal recessive limb-girdle muscular dystrophy type 2Q; Epidermolysis bullosa simplex, Ogna type; Epidermolysis bullosa simplex with nail dystrophy; Epidermolysis bullosa simplex 5C, with pyloric atresia; Epidermolysis bullosa simplex 5B, with muscular dystrophy. Last evaluated: 2021-05-06. Review status: criteria provided, single submitter. Criteria: Invitae Variant Classification Sherloc (09022015). Collection method: clinical testing. Allele origin: germline.
Comment: In summary, the available evidence is currently insufficient to determine the role of this variant in disease. Therefore, it has been classified as a Variant of Uncertain Significance. Experimental studies and prediction algorithms are not available or were not evaluated, and the functional significance of this variant is currently unknown. This variant has not been reported in the literature in individuals with PLEC-related conditions. This variant is not present in population databases (ExAC no frequency). This variant, c.7808_7819dup, results in the insertion of 4 amino acid(s) to the PLEC protein (p.Leu2603_Gln2606dup), but otherwise preserves the integrity of the reading frame.

NM_201384.3(PLEC):c.7727_7738dup (p.Leu2576_Gln2579dup)

Gene: PLEC (plectin; minus strand). Cytogenetic location: 8q24.3.
Variant type: Duplication.
Coding change: c.7727_7738dup on transcript NM_201384.3 (MANE Select); coding-DNA positions 7727 to 7738, 12 bases duplicated (TGGAGCAGCAGC).
Protein change: p.Leu2576_Gln2579dup.
Molecular consequence: inframe insertion.
Genome position (GRCh38, 1-based): chr8:143,922,083-143,922,094, GCTGCTGCTCCA duplicated on the plus strand (TGGAGCAGCAGC on the coding strand, the reverse complement: PLEC is on the minus strand); duplicating any 12 consecutive bases within chr8:143,922,083-143,922,102 gives the same sequence; the c. name uses the placement nearest the transcript's 3' end. VCF-style (leftmost placement, unchanged base first): chr8-143922082-C-CGCTGCTGCTCCA. GRCh37 (hg19) VCF-style: chr8-144996250-C-CGCTGCTGCTCCA.
Other names: c.7808_7819dup, p.Leu2603_Gln2606dup (NM_000445.5); c.7685_7696dup, p.Leu2562_Gln2565dup (NM_201378.4); c.7661_7672dup, p.Leu2554_Gln2557dup (NM_201379.3); c.8138_8149dup, p.Leu2713_Gln2716dup (NM_201380.4); c.7631_7642dup, p.Leu2544_Gln2547dup (NM_201381.3); c.7727_7738dup, p.Leu2576_Gln2579dup (NM_201382.4); c.7739_7750dup, p.Leu2580_Gln2583dup (NM_201383.3).
Identifiers: ClinVar variation 1350300 (VCV001350300.8), dbSNP rs1457330030, ClinGen allele CA2573142983.